The following is an entry in ClinVar:

NM_033380.3(COL4A5):c.891_891+1del

Gene: COL4A5 (collagen type IV alpha 5 chain; plus strand). Cytogenetic location: Xq22.3.
Variant type: Microsatellite.
Coding change: c.891_891+1del on transcript NM_033380.3 (MANE Select); coding-DNA position 891 through the canonical splice donor site of the intron after coding-DNA position 891, 2 bases deleted (AG; older notation c.891_891+1delAG).
Molecular consequence: splice donor variant.
Genome position (GRCh38, 1-based): chrX:108,580,738-108,580,739, AG deleted; deleting any 2 consecutive bases within chrX:108,580,736-108,580,739 gives the same sequence; the c. name uses the placement nearest the transcript's 3' end. VCF-style (leftmost placement, unchanged base first): chrX-108580735-AAG-A. GRCh37 (hg19) VCF-style: chrX-107823965-AAG-A.
Other names: c.891_891+1del (NM_000495.5).
Identifiers: ClinVar variation 1705628 (VCV001705628.1), dbSNP rs2524245595, ClinGen allele CA2580612293.

ClinVar aggregate classification (germline): Likely pathogenic (1 of 4 stars; one submission).

Conditions:
X-linked Alport syndrome (ATS1). Also called: NEPHROPATHY AND DEAFNESS, X-LINKED; COL4A5-Related Nephropathy. Identifiers: Orphanet 63, Orphanet 88917, MedGen C4746986, MONDO:0010520, OMIM 301050.

Submission:

3billion
Classification: Likely pathogenic for X-linked Alport syndrome. Last evaluated: 2022-09-01. Review status: criteria provided, single submitter. Criteria: ACMG Guidelines, 2015. Collection method: clinical testing. Allele origin: germline. Affected: yes. Observed: 1 hemizygote.
Comment: The variant is not observed in the gnomAD v2.1.1 dataset. Canonical splice site is predicted to alter splicing and result in a loss or disruption of normal protein function. Multiple pathogenic loss-of-function variants are reported downstream of the variant. Therefore, this variant is classified as Likely pathogenic according to the recommendation of ACMG/AMP guideline.